The following is an entry in ClinVar:

ClinVar aggregate classification (germline): Uncertain significance (1 of 4 stars; one submission).

Conditions:
Hereditary cancer-predisposing syndrome. Also called: Hereditary Cancer Syndrome; Hereditary neoplastic syndrome; Neoplastic Syndromes, Hereditary; Tumor predisposition. Identifiers: Orphanet 140162, MedGen C0027672, MeSH D009386, MONDO:0015356.

Submission:

Ambry Genetics
Classification: Uncertain significance for Hereditary cancer-predisposing syndrome. Last evaluated: 2025-05-02. Review status: criteria provided, single submitter. Criteria: Ambry Variant Classification Scheme 2023. Collection method: clinical testing. Allele origin: germline.
Comment: The p.Q581P variant (also known as c.1742A>C), located in coding exon 11 of the NBN gene, results from an A to C substitution at nucleotide position 1742. The glutamine at codon 581 is replaced by proline, an amino acid with similar properties. This amino acid position is conserved. In addition, this alteration is predicted to be tolerated by in silico analysis. Based on the available evidence, the clinical significance of this variant remains unclear.

NM_002485.5(NBN):c.1742A>C (p.Gln581Pro)

Gene: NBN (nibrin; minus strand). Cytogenetic location: 8q21.3.
Variant type: single nucleotide variant.
Coding change: c.1742A>C on transcript NM_002485.5 (MANE Select); coding-DNA position 1742, A replaced by C.
Protein change: p.Gln581Pro; replaces glutamine 581 with proline.
Molecular consequence: missense variant.
Genome position (GRCh38, 1-based): chr8:89,953,347, T>G on the plus strand (A>C on the coding strand, the complement: NBN is on the minus strand). VCF-style: chr8-89953347-T-G. GRCh37 (hg19) VCF-style: chr8-90965575-T-G.
Other names: c.1496A>C, p.Gln499Pro (NM_001024688.3); short protein forms Q581P, Q499P.
Identifiers: ClinVar variation 3917593 (VCV003917593.1).
Genomic context (GRCh38, chr8:89,953,347, plus strand): 5'-TCATTTGTTTCTATATCCATCCTTGGCCTTTTTCTAACATTGACATCTTCCTCCTGTTTT[T>G]GAACTTTCACATCAATTTCTAACTCTGGTTTTGTGTCCTTGAATAACTGTTCCAATACTT-3'
Protein context (NP_002476.2, residues 571-591): KPELEIDVKV[Gln581Pro]KQEEDVNVRK